The following is an entry in ClinVar:

ClinVar aggregate classification (germline): Uncertain significance. Review status: criteria provided, multiple submitters, no conflicts (2 of 4 stars). 3 submissions from 3 submitters: Uncertain significance (3). Last evaluated 2026-01-05.

Conditions:
Hereditary cancer-predisposing syndrome. Also called: Tumor predisposition; Hereditary neoplastic syndrome; Neoplastic Syndromes, Hereditary; Hereditary Cancer Syndrome. Identifiers: Orphanet 140162, MedGen C0027672, MeSH D009386, MONDO:0015356.
Ataxia-telangiectasia syndrome (AT). Also called: Ataxia-telangiectasia, complementation group D; AT, COMPLEMENTATION GROUP C; ATAXIA-TELANGIECTASIA, COMPLEMENTATION GROUP A; ATAXIA-TELANGIECTASIA, FRESNO VARIANT; Ataxia-telangiectasia; LOUIS-BAR SYNDROME. Identifiers: Orphanet 100, MedGen C0004135, MONDO:0008840, OMIM 208900.

Submissions (3):

Labcorp Genetics (formerly Invitae), Labcorp
Classification: Uncertain significance for Ataxia-telangiectasia syndrome. Last evaluated: 2026-01-05. Review status: criteria provided, single submitter. Criteria: Invitae Variant Classification Sherloc (09022015). Collection method: clinical testing. Allele origin: germline.
Comment: This sequence change replaces glutamic acid, which is acidic and polar, with glutamine, which is neutral and polar, at codon 2904 of the ATM protein (p.Glu2904Gln). This variant is not present in population databases (gnomAD no frequency). This variant has not been reported in the literature in individuals affected with ATM-related conditions. ClinVar contains an entry for this variant (Variation ID: 659915). Invitae Evidence Modeling of protein sequence and biophysical properties (such as structural, functional, and spatial information, amino acid conservation, physicochemical variation, residue mobility, and thermodynamic stability) indicates that this missense variant is expected to disrupt ATM protein function with a positive predictive value of 95%. This variant disrupts the p.Glu2904 amino acid residue in ATM. Other variant(s) that disrupt this residue have been determined to be pathogenic (PMID: 8845835). This suggests that this residue is clinically significant, and that variants that disrupt this residue are likely to be disease-causing. In summary, the available evidence is currently insufficient to determine the role of this variant in disease. Therefore, it has been classified as a Variant of Uncertain Significance.

Ambry Genetics
Classification: Uncertain significance for Hereditary cancer-predisposing syndrome. Last evaluated: 2025-03-25. Review status: criteria provided, single submitter. Criteria: Ambry Variant Classification Scheme 2023. Collection method: clinical testing. Allele origin: germline.
Comment: The p.E2904Q variant (also known as c.8710G>C), located in coding exon 59 of the ATM gene, results from a G to C substitution at nucleotide position 8710. The glutamic acid at codon 2904 is replaced by glutamine, an amino acid with highly similar properties. This amino acid position is highly conserved in available vertebrate species. In addition, this alteration is predicted to be deleterious by in silico analysis. Since supporting evidence is limited at this time, the clinical significance of this alteration remains unclear.

GeneDx
Classification: Uncertain significance. Last evaluated: 2022-03-16. Review status: criteria provided, single submitter. Criteria: GeneDx Variant Classification Process June 2021. Collection method: clinical testing. Allele origin: germline. Affected: yes.
Comment: Not observed at significant frequency in large population cohorts (gnomAD); In silico analysis supports that this missense variant has a deleterious effect on protein structure/function; Has not been previously published as pathogenic or benign to our knowledge; This variant is associated with the following publications: (PMID: 23532176)

Literature cited by the submitters: PubMed 8845835 (cited by Labcorp Genetics (formerly Invitae), Labcorp).

NM_000051.4(ATM):c.8710G>C (p.Glu2904Gln)

Genes: ATM (ATM serine/threonine kinase; plus strand), C11orf65 (chromosome 11 open reading frame 65; minus strand). Cytogenetic location: 11q22.3.
Variant type: single nucleotide variant.
Coding change: c.8710G>C on transcript NM_000051.4 (MANE Select); coding-DNA position 8710, G replaced by C.
Protein change: p.Glu2904Gln; replaces glutamic acid 2904 with glutamine.
Molecular consequence: missense variant. On other transcripts: intron variant (2).
Genome position (GRCh38, 1-based): chr11:108,353,804, G>C. VCF-style: chr11-108353804-G-C. GRCh37 (hg19) VCF-style: chr11-108224531-G-C.
Other names: c.8710G>C, p.Glu2904Gln (NM_001351834.2); c.640+32116C>G (NM_001330368.2); c.695-18512C>G (NM_001351110.2); short protein forms E2904Q.
Identifiers: ClinVar variation 659915 (VCV000659915.19), dbSNP rs1591306697, ClinGen allele CA382523780.
Genomic context (GRCh38, chr11:108,353,804, plus strand): 5'-TTCACTGTATTCTTTACTTTAGGTGTTGCTTTTGAACAGGGCAAAATCCTTCCTACTCCT[G>C]AGACAGTTCCTTTTAGACTCACCAGAGATATTGTGGATGGCATGGGCATTACGGGTGTTG-3'
Protein context (NP_000042.3, residues 2894-2914): FEQGKILPTP[Glu2904Gln]TVPFRLTRDI